The following is an entry in ClinVar:

NM_001267550.2(TTN):c.102270C>T (p.His34090=)

Genes: TTN (titin; minus strand), TTN-AS1 (TTN antisense RNA 1; plus strand). Cytogenetic location: 2q31.2.
Variant type: single nucleotide variant.
Coding change: c.102270C>T on transcript NM_001267550.2 (MANE Select); coding-DNA position 102270, C replaced by T.
Protein change: p.His34090=; no amino-acid change (histidine 34090 retained).
Molecular consequence: synonymous variant.
Genome position (GRCh38, 1-based): chr2:178,534,345, G>A on the plus strand (C>T on the coding strand, the complement: TTN is on the minus strand). VCF-style: chr2-178534345-G-A. GRCh37 (hg19) VCF-style: chr2-179399072-G-A.
Other names: c.97347C>T, p.His32449= (NM_001256850.1); c.75075C>T, p.His25025= (NM_003319.4); c.94566C>T, p.His31522= (NM_133378.4); c.75450C>T, p.His25150= (NM_133432.3); c.75651C>T, p.His25217= (NM_133437.4).
Identifiers: ClinVar variation 192138 (VCV000192138.1), dbSNP rs786205330, ClinGen allele CA238447.

ClinVar aggregate classification (germline): Likely benign (1 of 4 stars; one submission).

Submission:

Biesecker Lab/Clinical Genomics Section, National Institutes of Health
Classification: Likely benign. Last evaluated: 2013-06-24. Review status: criteria provided, single submitter. Criteria: Ng et al. (Circ Cardiovasc Genet. 2013). Collection method: research. Allele origin: unknown. Observed: 5 variant alleles. Study: ClinSeq.
Comment: The study set was not selected for affection status in relation to any cancer. Pathogenicity categories were based on literature curation. See Pubmed ID:23861362 for details.

Medical sequencing